The following is an entry in ClinVar:

ClinVar aggregate classification (germline): Pathogenic (1 of 4 stars; one submission).

Conditions:
Peroxisome biogenesis disorder. Identifiers: Orphanet 79189, MedGen C1832200, MONDO:0019234. Disease mechanism: loss of function.

Submission:

Myriad Genetics, Inc.
Classification: Pathogenic for Peroxisome biogenesis disorder. Last evaluated: 2025-04-28. Review status: criteria provided, single submitter. Criteria: Myriad Autosomal Dominant, Autosomal Recessive and X-Linked Classification Criteria (2023). Collection method: clinical testing. Allele origin: unknown.
Comment: NM_000466.2(PEX1):c.1490delA(K497Rfs*5) is expected to be pathogenic in the context of peroxisome biogenesis disorder type 1. This variant is predicted to lead to an abnormal or absent protein product due to the creation of a premature termination codon in PEX1, a gene where loss-of-function variants are known to be pathogenic. Please note: this variant was assessed in the context of healthy population screening.

NM_000466.3(PEX1):c.1490del (p.Lys497fs)

Gene: PEX1 (peroxisomal biogenesis factor 1; minus strand). Cytogenetic location: 7q21.2.
Variant type: Deletion.
Coding change: c.1490del on transcript NM_000466.3 (MANE Select); coding-DNA position 1490, one base deleted (A; older notation c.1490delA).
Protein change: p.Lys497fs; shifts the reading frame from lysine 497.
Molecular consequence: frameshift variant.
Genome position (GRCh38, 1-based): chr7:92,511,041, T deleted on the plus strand (A on the coding strand, the reverse complement: PEX1 is on the minus strand); the first of 2 consecutive T bases (chr7:92,511,041-92,511,042); deleting either gives the same sequence. VCF-style (leftmost placement, unchanged base first): chr7-92511040-CT-C. GRCh37 (hg19) VCF-style: chr7-92140354-CT-C.
Other names: c.1490del, p.Lys497fs (NM_001282677.2); c.866del, p.Lys289fs (NM_001282678.2); short protein forms K289fs, K497fs.
Identifiers: ClinVar variation 5014353 (VCV005014353.1).
Genomic context (GRCh38, chr7:92,511,040, plus strand): 5'-CAGAAAAATATTTTTATCTTTTTCTTTTTCCCAAGAATGAACTATACTCAGAGAAAATTC[CT>C]TCAGTCCTATTAAAAAGAAAGTAATAAATGCAGAGTTAGTACTGAAACAGAGATGAAATA-3'